The following is an entry in ClinVar:

ClinVar aggregate classification (germline): Uncertain significance. Review status: criteria provided, multiple submitters, no conflicts (2 of 4 stars). 8 submissions from 4 submitters: Uncertain significance (8). Last evaluated 2025-11-24.

Conditions:
Retinitis pigmentosa 12 (RP12). Also called: RP WITH OR WITHOUT PRESERVED PARAARTERIOLE RETINAL PIGMENT EPITHELIUM; RP WITH OR WITHOUT PPRPE; RETINITIS PIGMENTOSA WITH OR WITHOUT PARAARTERIOLAR PRESERVATION OF RETINAL PIGMENT EPITHELIUM. Identifiers: Orphanet 791, MedGen C1838647, MONDO:0010818, OMIM 600105.
Leber congenital amaurosis 8 (LCA8). Identifiers: Orphanet 65, MedGen C3151202, MONDO:0013453, OMIM 613835.
Pigmented paravenous retinochoroidal atrophy. Identifiers: Orphanet 251295, MedGen C1868310, MONDO:0008246, OMIM 172870.
Inborn genetic diseases. Identifiers: MedGen C0950123, MeSH D030342.
Retinitis pigmentosa (RP). Identifiers: Orphanet 791, MedGen C0035334, MeSH D012174, MONDO:0019200, OMIM 268000. Inheritance: Autosomal dominant, autosomal recessive and X linked inheritance.

Allele frequency attached by ClinVar (database versions not stated): gnomAD exomes below 0.00001; TOPMed below 0.00001; gnomAD 0.00001.
gnomAD v4.1: 5 of 1,613,782 alleles (0.00031%); highest among the groups gnomAD compares: Non-Finnish European, 0.00034%; no homozygotes.

Submissions (8):

Labcorp Genetics (formerly Invitae), Labcorp
Classification: Uncertain significance for Leber congenital amaurosis 8; Retinitis pigmentosa 12. Last evaluated: 2025-11-24. Review status: criteria provided, single submitter. Criteria: Invitae Variant Classification Sherloc (09022015). Collection method: clinical testing. Allele origin: germline.
Comment: This sequence change replaces proline, which is neutral and non-polar, with leucine, which is neutral and non-polar, at codon 777 of the CRB1 protein (p.Pro777Leu). This variant is not present in population databases (gnomAD no frequency). This variant has not been reported in the literature in individuals affected with CRB1-related conditions. ClinVar contains an entry for this variant (Variation ID: 294678). Invitae Evidence Modeling of protein sequence and biophysical properties (such as structural, functional, and spatial information, amino acid conservation, physicochemical variation, residue mobility, and thermodynamic stability) indicates that this missense variant is expected to disrupt CRB1 protein function with a positive predictive value of 80%. In summary, the available evidence is currently insufficient to determine the role of this variant in disease. Therefore, it has been classified as a Variant of Uncertain Significance.

Genome-Nilou Lab
Classification: Uncertain significance for Leber congenital amaurosis 8. Last evaluated: 2023-04-11. Review status: criteria provided, single submitter. Criteria: ACMG Guidelines, 2015. Collection method: clinical testing. Allele origin: germline. Affected: no.

Genome-Nilou Lab
Classification: Uncertain significance for Pigmented paravenous retinochoroidal atrophy. Last evaluated: 2023-04-11. Review status: criteria provided, single submitter. Criteria: ACMG Guidelines, 2015. Collection method: clinical testing. Allele origin: germline. Affected: no.

Genome-Nilou Lab
Classification: Uncertain significance for Retinitis pigmentosa 12. Last evaluated: 2023-04-11. Review status: criteria provided, single submitter. Criteria: ACMG Guidelines, 2015. Collection method: clinical testing. Allele origin: germline. Affected: no.

Ambry Genetics
Classification: Uncertain significance for Inborn genetic diseases. Last evaluated: 2022-08-11. Review status: criteria provided, single submitter. Criteria: Ambry Variant Classification Scheme 2023. Collection method: clinical testing. Allele origin: germline.

Illumina Laboratory Services, Illumina
Classification: Uncertain significance for Retinitis pigmentosa. Last evaluated: 2018-01-12. Review status: criteria provided, single submitter. Criteria: ICSL Variant Classification Criteria 13 December 2019. Collection method: clinical testing. Allele origin: germline.

Illumina Laboratory Services, Illumina
Classification: Uncertain significance for Leber congenital amaurosis 8. Last evaluated: 2018-01-12. Review status: criteria provided, single submitter. Criteria: ICSL Variant Classification Criteria 13 December 2019. Collection method: clinical testing. Allele origin: germline.

Illumina Laboratory Services, Illumina
Classification: Uncertain significance for Pigmented paravenous retinochoroidal atrophy. Last evaluated: 2018-01-12. Review status: criteria provided, single submitter. Criteria: ICSL Variant Classification Criteria 13 December 2019. Collection method: clinical testing. Allele origin: germline.

NM_201253.3(CRB1):c.2330C>T (p.Pro777Leu)

Gene: CRB1 (crumbs cell polarity complex component 1; plus strand). Cytogenetic location: 1q31.3.
Variant type: single nucleotide variant.
Coding change: c.2330C>T on transcript NM_201253.3 (MANE Select); coding-DNA position 2330, C replaced by T.
Protein change: p.Pro777Leu; replaces proline 777 with leucine.
Molecular consequence: missense variant. On other transcripts: non-coding transcript variant (2), intron variant (1).
Genome position (GRCh38, 1-based): chr1:197,427,655, C>T. VCF-style: chr1-197427655-C-T. GRCh37 (hg19) VCF-style: chr1-197396785-C-T.
Other names: c.1994C>T, p.Pro665Leu (NM_001193640.2); c.2123C>T, p.Pro708Leu (NM_001257965.2); c.2128+5699C>T (NM_001257966.2); short protein forms P777L, P708L, P665L.
Identifiers: ClinVar variation 294678 (VCV000294678.14), dbSNP rs886045784, ClinGen allele CA10609329.